The following is an entry in ClinVar:

ClinVar aggregate classification (germline): Pathogenic (1 of 4 stars; one submission).

Submission:

CeGaT Center for Human Genetics Tuebingen
Classification: Pathogenic. Last evaluated: 2025-11-01. Review status: criteria provided, single submitter. Criteria: CeGaT Center For Human Genetics Tuebingen Variant Classification Criteria Version 2. Collection method: clinical testing. Allele origin: germline. Affected: yes. Observed: 1 variant allele.
Comment: TJP2: PVS1, PM2, PS4:Supporting

NM_004817.4(TJP2):c.590del (p.Arg197fs)

Gene: TJP2 (tight junction protein 2; plus strand). Cytogenetic location: 9q21.11.
Variant type: Deletion.
Coding change: c.590del on transcript NM_004817.4 (MANE Select); coding-DNA position 590, one base deleted (G; older notation c.590delG).
Protein change: p.Arg197fs; shifts the reading frame from arginine 197.
Molecular consequence: frameshift variant.
Genome position (GRCh38, 1-based): chr9:69,221,134, G deleted. VCF-style (leftmost placement, unchanged base first): chr9-69221133-CG-C. GRCh37 (hg19) VCF-style: chr9-71836049-CG-C.
Other names: c.521del, p.Arg174fs (NM_001170414.2, NM_001369870.1, NM_001369871.1); c.602del, p.Arg201fs (NM_001170415.1, NM_001369874.1, NM_001369875.1); c.683del, p.Arg228fs (NM_001170416.2); c.590del, p.Arg197fs (NM_001369872.1, NM_001369873.1, NM_201629.3); short protein forms R174fs, R197fs, R201fs, R228fs.
Identifiers: ClinVar variation 4535438 (VCV004535438.6).